The following is an entry in ClinVar:

ClinVar aggregate classification (germline): Uncertain significance (1 of 4 stars; one submission).

Allele frequency attached by ClinVar (database versions not stated): gnomAD exomes below 0.00001; TOPMed below 0.00001.
gnomAD v4.1: 4 of 1,611,616 alleles (0.00025%); highest among the groups gnomAD compares: Non-Finnish European, 0.00034%; no homozygotes.

Submission:

Labcorp Genetics (formerly Invitae), Labcorp
Classification: Uncertain significance. Last evaluated: 2021-10-12. Review status: criteria provided, single submitter. Criteria: Invitae Variant Classification Sherloc (09022015). Collection method: clinical testing. Allele origin: germline.
Comment: This sequence change replaces arginine with cysteine at codon 3687 of the ADGRV1 protein (p.Arg3687Cys). The arginine residue is highly conserved and there is a large physicochemical difference between arginine and cysteine. This variant is not present in population databases (ExAC no frequency). This variant has not been reported in the literature in individuals affected with ADGRV1-related conditions. Algorithms developed to predict the effect of missense changes on protein structure and function are either unavailable or do not agree on the potential impact of this missense change (SIFT: "Deleterious"; PolyPhen-2: "Possibly Damaging"; Align-GVGD: "Class C0"). In summary, the available evidence is currently insufficient to determine the role of this variant in disease. Therefore, it has been classified as a Variant of Uncertain Significance.

NM_032119.4(ADGRV1):c.11059C>T (p.Arg3687Cys)

Gene: ADGRV1 (adhesion G protein-coupled receptor V1; plus strand). Cytogenetic location: 5q14.3.
Variant type: single nucleotide variant.
Coding change: c.11059C>T on transcript NM_032119.4 (MANE Select); coding-DNA position 11059, C replaced by T.
Protein change: p.Arg3687Cys; replaces arginine 3687 with cysteine.
Molecular consequence: missense variant. On other transcripts: non-coding transcript variant (1).
Genome position (GRCh38, 1-based): chr5:90,750,635, C>T. VCF-style: chr5-90750635-C-T. GRCh37 (hg19) VCF-style: chr5-90046452-C-T.
Other names: short protein forms R3687C.
Identifiers: ClinVar variation 1490623 (VCV001490623.3), dbSNP rs1010063079, ClinGen allele CA122797352.